The following is an entry in ClinVar:

NM_001130969.3(NSMF):c.779G>C (p.Arg260Thr)

Gene: NSMF (NMDA receptor synaptonuclear signaling and neuronal migration factor; minus strand). Cytogenetic location: 9q34.3.
Variant type: single nucleotide variant.
Coding change: c.779G>C on transcript NM_001130969.3 (MANE Select); coding-DNA position 779, G replaced by C.
Protein change: p.Arg260Thr; replaces arginine 260 with threonine.
Molecular consequence: missense variant. On other transcripts: intron variant (2).
Genome position (GRCh38, 1-based): chr9:137,455,239, C>G on the plus strand (G>C on the coding strand, the complement: NSMF is on the minus strand). VCF-style: chr9-137455239-C-G. GRCh37 (hg19) VCF-style: chr9-140349691-C-G.
Other names: c.779G>C, p.Arg260Thr (NM_001178064.2); c.773G>C, p.Arg258Thr (NM_015537.5); c.705-796G>C (NM_001130971.2); c.710+390G>C (NM_001130970.2); short protein forms R258T, R260T.
Identifiers: ClinVar variation 4775287 (VCV004775287.1).

ClinVar aggregate classification (germline): Uncertain significance (1 of 4 stars; one submission).

Submission:

Labcorp Genetics (formerly Invitae), Labcorp
Classification: Uncertain significance. Last evaluated: 2025-06-17. Review status: criteria provided, single submitter. Criteria: Invitae Variant Classification Sherloc (09022015). Collection method: clinical testing. Allele origin: germline.
Comment: This sequence change replaces arginine, which is basic and polar, with threonine, which is neutral and polar, at codon 258 of the NSMF protein (p.Arg258Thr). This variant also falls at the last nucleotide of exon 5, which is part of the consensus splice site for this exon. This variant is not present in population databases (gnomAD no frequency). This variant has not been reported in the literature in individuals affected with NSMF-related conditions. An algorithm developed to predict the effect of missense changes on protein structure and function (PolyPhen-2) suggests that this variant is likely to be tolerated. Variants that disrupt the consensus splice site are a relatively common cause of aberrant splicing (PMID: 17576681, 9536098). Algorithms developed to predict the effect of sequence changes on RNA splicing suggest that this variant may disrupt the consensus splice site. In summary, the available evidence is currently insufficient to determine the role of this variant in disease. Therefore, it has been classified as a Variant of Uncertain Significance.

Literature cited by the submitters: PubMed 17576681; PubMed 9536098.